The following is an entry in ClinVar:

ClinVar aggregate classification (germline): Uncertain significance (1 of 4 stars; one submission).

Conditions:
Gastrointestinal stromal tumor. Also called: Gastrointestinal stroma tumor; Gastrointestinal stromal tumor, somatic. Identifiers: Orphanet 44890, MedGen C0238198, MeSH D046152, MONDO:0011719, OMIM 606764, HP:0100723.

Submission:

Labcorp Genetics (formerly Invitae), Labcorp
Classification: Uncertain significance for Gastrointestinal stromal tumor. Last evaluated: 2022-01-14. Review status: criteria provided, single submitter. Criteria: Invitae Variant Classification Sherloc (09022015). Collection method: clinical testing. Allele origin: germline.
Comment: Algorithms developed to predict the effect of missense changes on protein structure and function (SIFT, PolyPhen-2, Align-GVGD) all suggest that this variant is likely to be disruptive. This variant has not been reported in the literature in individuals affected with KIT-related conditions. This variant is not present in population databases (gnomAD no frequency). This sequence change replaces glutamic acid, which is acidic and polar, with glycine, which is neutral and non-polar, at codon 376 of the KIT protein (p.Glu376Gly). In summary, the available evidence is currently insufficient to determine the role of this variant in disease. Therefore, it has been classified as a Variant of Uncertain Significance.

NM_000222.3(KIT):c.1127A>G (p.Glu376Gly)

Gene: KIT (KIT proto-oncogene, receptor tyrosine kinase; plus strand). Cytogenetic location: 4q12.
Variant type: single nucleotide variant.
Coding change: c.1127A>G on transcript NM_000222.3 (MANE Select); coding-DNA position 1127, A replaced by G.
Protein change: p.Glu376Gly; replaces glutamic acid 376 with glycine.
Molecular consequence: missense variant.
Genome position (GRCh38, 1-based): chr4:54,709,435, A>G. VCF-style: chr4-54709435-A-G. GRCh37 (hg19) VCF-style: chr4-55575601-A-G.
Other names: c.1127A>G, p.Glu376Gly (NM_001093772.2, NM_001385285.1, NM_001385286.1); c.1130A>G, p.Glu377Gly (NM_001385284.1, NM_001385288.1, NM_001385290.1 and 1 more transcripts); short protein forms E376G, E377G.
Identifiers: ClinVar variation 2082896 (VCV002082896.4), dbSNP rs2475485996, ClinGen allele CA356902045.
Genomic context (GRCh38, chr4:54,709,435, plus strand): 5'-CCAAGGCATGCTATCCACAGGTGATTGACTAGTTGTCTTTTCTTTGTAGATACGTAAGTG[A>G]ACTTCATCTAACGAGATTAAAAGGCACCGAAGGAGGCACTTACACATTCCTAGTGTCCAA-3'
Protein context (NP_000213.1, residues 366-386): ENESNIRYVS[Glu376Gly]LHLTRLKGTE